The following is an entry in ClinVar:

NM_004519.4(KCNQ3):c.2111T>C (p.Ile704Thr)

Gene: KCNQ3 (potassium voltage-gated channel subfamily Q member 3; minus strand). Cytogenetic location: 8q24.22.
Variant type: single nucleotide variant.
Coding change: c.2111T>C on transcript NM_004519.4 (MANE Select); coding-DNA position 2111, T replaced by C.
Protein change: p.Ile704Thr; replaces isoleucine 704 with threonine.
Molecular consequence: missense variant.
Genome position (GRCh38, 1-based): chr8:132,129,770, A>G on the plus strand (T>C on the coding strand, the complement: KCNQ3 is on the minus strand). VCF-style: chr8-132129770-A-G. GRCh37 (hg19) VCF-style: chr8-133142017-A-G.
Other names: c.1751T>C, p.Ile584Thr (NM_001204824.2); short protein forms I704T, I584T.
Identifiers: ClinVar variation 2713191 (VCV002713191.4), dbSNP rs202072205, ClinGen allele CA4880500.

ClinVar aggregate classification (germline): Uncertain significance. Review status: criteria provided, multiple submitters, no conflicts (2 of 4 stars). 2 submissions from 2 submitters: Uncertain significance (2). Last evaluated 2023-05-27.

Conditions:
Benign neonatal seizures. Also called: Benign familial neonatal epilepsy; Benign neonatal familial convulsions; Benign familial neonatal seizures; Convulsions benign familial neonatal dominant form; Autosomal dominant form of benign neonatal seizures. Identifiers: Orphanet 1949, MedGen C0220669, MONDO:0016027.

Allele frequency attached by ClinVar (database versions not stated): gnomAD exomes below 0.00001; gnomAD 0.00001; ExAC 0.00002; TOPMed 0.00003; 1000 Genomes Project 30x 0.00016; 1000 Genomes Project 0.00020.
gnomAD v4.1: 3 of 1,614,198 alleles (0.00019%); highest among the groups gnomAD compares: African/African-American, 0.0027%; no homozygotes.

Submissions (2):

Labcorp Genetics (formerly Invitae), Labcorp
Classification: Uncertain significance for Benign neonatal seizures. Last evaluated: 2023-05-27. Review status: criteria provided, single submitter. Criteria: Invitae Variant Classification Sherloc (09022015). Collection method: clinical testing. Allele origin: germline.
Comment: In summary, the available evidence is currently insufficient to determine the role of this variant in disease. Therefore, it has been classified as a Variant of Uncertain Significance. This variant is present in population databases (rs202072205, gnomAD 0.01%). Advanced modeling of protein sequence and biophysical properties (such as structural, functional, and spatial information, amino acid conservation, physicochemical variation, residue mobility, and thermodynamic stability) performed at Invitae indicates that this missense variant is not expected to disrupt KCNQ3 protein function. This variant has not been reported in the literature in individuals affected with KCNQ3-related conditions. This sequence change replaces isoleucine, which is neutral and non-polar, with threonine, which is neutral and polar, at codon 704 of the KCNQ3 protein (p.Ile704Thr).

Blueprint Genetics
Classification: Uncertain significance. Last evaluated: 2017-07-05. Review status: criteria provided, single submitter. Criteria: ACMG Guidelines, 2015. Collection method: clinical testing. Allele origin: germline.